The following is an entry in ClinVar:

NM_001378454.1(ALMS1):c.2348T>C (p.Leu783Pro)

Gene: ALMS1 (ALMS1 centrosome and basal body associated protein; plus strand). Cytogenetic location: 2p13.1.
Variant type: single nucleotide variant.
Coding change: c.2348T>C on transcript NM_001378454.1 (MANE Select); coding-DNA position 2348, T replaced by C.
Protein change: p.Leu783Pro; replaces leucine 783 with proline.
Molecular consequence: missense variant.
Genome position (GRCh38, 1-based): chr2:73,448,875, T>C. VCF-style: chr2-73448875-T-C. GRCh37 (hg19) VCF-style: chr2-73676002-T-C.
Other names: c.2351T>C, p.Leu784Pro (NM_015120.4); short protein forms L783P, L784P.
Identifiers: ClinVar variation 1424353 (VCV001424353.6), dbSNP rs1671866214, ClinGen allele CA347269761.
Genomic context (GRCh38, chr2:73,448,875, plus strand): 5'-CTTACTCACAAAGAGAAAAGCCTAGTATTTTGTACCCACAGGACTTAGCAGACAGTCATC[T>C]ACCTGAAGAGGGTCTGAAAGTTTCAGCTGTTGCTGGACCAGCTGACCAGAAGACTGGCCT-3'
Protein context (NP_001365383.1, residues 773-793): LYPQDLADSH[Leu783Pro]PEEGLKVSAV

ClinVar aggregate classification (germline): Uncertain significance (1 of 4 stars; one submission).

Conditions:
Alstrom syndrome (ALMS). Identifiers: Orphanet 64, MedGen C0268425, MONDO:0008763, OMIM 203800.

Allele frequency attached by ClinVar (database versions not stated): gnomAD 0.00001.
gnomAD v4.1: 1 of 1,613,926 alleles (0.000062%); highest among the groups gnomAD compares: African/African-American, 0.0013%; no homozygotes.

Submission:

Labcorp Genetics (formerly Invitae), Labcorp
Classification: Uncertain significance for Alstrom syndrome. Last evaluated: 2021-08-27. Review status: criteria provided, single submitter. Criteria: Invitae Variant Classification Sherloc (09022015). Collection method: clinical testing. Allele origin: germline.
Comment: This sequence change replaces leucine with proline at codon 784 of the ALMS1 protein (p.Leu784Pro). The leucine residue is weakly conserved and there is a moderate physicochemical difference between leucine and proline. This variant is not present in population databases (ExAC no frequency). This variant has not been reported in the literature in individuals affected with ALMS1-related conditions. Experimental studies and prediction algorithms are not available or were not evaluated, and the functional significance of this variant is currently unknown. In summary, the available evidence is currently insufficient to determine the role of this variant in disease. Therefore, it has been classified as a Variant of Uncertain Significance.